The following is an entry in ClinVar:

ClinVar aggregate classification (germline): Uncertain significance (1 of 4 stars; one submission).

Allele frequency attached by ClinVar (database versions not stated): gnomAD exomes 0.00001; ExAC 0.00003.
gnomAD v4.1: 14 of 1,613,558 alleles (0.00087%); highest among the groups gnomAD compares: South Asian, 0.015%; no homozygotes.

Submission:

Labcorp Genetics (formerly Invitae), Labcorp
Classification: Uncertain significance. Last evaluated: 2022-08-22. Review status: criteria provided, single submitter. Criteria: Invitae Variant Classification Sherloc (09022015). Collection method: clinical testing. Allele origin: germline.
Comment: This sequence change replaces valine, which is neutral and non-polar, with alanine, which is neutral and non-polar, at codon 914 of the PCDH15 protein (p.Val914Ala). This variant is present in population databases (rs752319591, gnomAD 0.02%). This variant has not been reported in the literature in individuals affected with PCDH15-related conditions. Algorithms developed to predict the effect of missense changes on protein structure and function are either unavailable or do not agree on the potential impact of this missense change (SIFT: "Deleterious"; PolyPhen-2: "Probably Damaging"; Align-GVGD: "Class C0"). In summary, the available evidence is currently insufficient to determine the role of this variant in disease. Therefore, it has been classified as a Variant of Uncertain Significance.

NM_001384140.1(PCDH15):c.2741T>C (p.Val914Ala)

Gene: PCDH15 (protocadherin related 15; minus strand). Cytogenetic location: 10q21.1.
Variant type: single nucleotide variant.
Coding change: c.2741T>C on transcript NM_001384140.1 (MANE Select); coding-DNA position 2741, T replaced by C.
Protein change: p.Val914Ala; replaces valine 914 with alanine.
Molecular consequence: missense variant.
Genome position (GRCh38, 1-based): chr10:54,020,202, A>G on the plus strand (T>C on the coding strand, the complement: PCDH15 is on the minus strand). VCF-style: chr10-54020202-A-G. GRCh37 (hg19) VCF-style: chr10-55779962-A-G.
Other names: c.2756T>C, p.Val919Ala (NM_001142763.2, NM_001142771.2); c.2741T>C, p.Val914Ala (NM_001142764.2, NM_001142766.2, NM_001142770.3 and 5 more transcripts); c.2528T>C, p.Val843Ala (NM_001142765.2); c.2630T>C, p.Val877Ala (NM_001142767.2); c.2675T>C, p.Val892Ala (NM_001142768.2, NM_001142773.2, NM_001354404.2); c.2777T>C, p.Val926Ala (NM_001142769.4); c.2762T>C, p.Val921Ala (NM_001354411.2); short protein forms V919A, V921A, V843A, V926A, V877A, V892A, V914A.
Identifiers: ClinVar variation 1939724 (VCV001939724.2), dbSNP rs752319591, ClinGen allele CA5505949.